The following is an entry in ClinVar:

ClinVar aggregate classification (germline): Conflicting classifications of pathogenicity. Review status: criteria provided, conflicting classifications (1 of 4 stars). 4 submissions from 4 submitters: Uncertain significance (1); Likely benign (3). Last evaluated 2026-01-04.

Conditions:
Cardiovascular phenotype. Identifiers: MedGen CN230736.
Progressive familial heart block type IB (PFHB1B). Identifiers: Orphanet 871, MedGen C1970298, MONDO:0011474, OMIM 604559.

Allele frequency attached by ClinVar (database versions not stated): gnomAD 0.00005; TOPMed 0.00006; gnomAD exomes 0.00007 and 0.00021; ExAC 0.00044.
gnomAD v4.1: 117 of 1,609,042 alleles (0.0073%); highest among the groups gnomAD compares: Non-Finnish European, 0.0071%; no homozygotes.

Submissions (4):

Labcorp Genetics (formerly Invitae), Labcorp
Classification: Uncertain significance for Progressive familial heart block type IB. Last evaluated: 2026-01-04. Review status: criteria provided, single submitter. Criteria: Invitae Variant Classification Sherloc (09022015). Collection method: clinical testing. Allele origin: germline.
Comment: This sequence change replaces lysine, which is basic and polar, with arginine, which is basic and polar, at codon 1154 of the TRPM4 protein (p.Lys1154Arg). This variant is present in population databases (rs141327522, gnomAD 0.06%), and has an allele count higher than expected for a pathogenic variant. This variant has not been reported in the literature in individuals affected with TRPM4-related conditions. ClinVar contains an entry for this variant (Variation ID: 959932). An algorithm developed to predict the effect of missense changes on protein structure and function (PolyPhen-2) suggests that this variant is likely to be disruptive. In summary, the available evidence is currently insufficient to determine the role of this variant in disease. Therefore, it has been classified as a Variant of Uncertain Significance.

CeGaT Center for Human Genetics Tuebingen
Classification: Likely benign. Last evaluated: 2024-08-01. Review status: criteria provided, single submitter. Criteria: CeGaT Center For Human Genetics Tuebingen Variant Classification Criteria Version 2. Collection method: clinical testing. Allele origin: germline. Affected: yes. Observed: 1 variant allele.
Comment: TRPM4: BP4

Blueprint Genetics
Classification: Likely benign. Last evaluated: 2024-03-11. Review status: criteria provided, single submitter. Criteria: ACMG Guidelines, 2015. Collection method: clinical testing. Allele origin: germline.

Ambry Genetics
Classification: Likely benign for Cardiovascular phenotype. Last evaluated: 2020-03-11. Review status: criteria provided, single submitter. Criteria: Ambry Variant Classification Scheme 2023. Collection method: clinical testing. Allele origin: germline.

NM_017636.4(TRPM4):c.3461A>G (p.Lys1154Arg)

Gene: TRPM4 (transient receptor potential cation channel subfamily M member 4; plus strand). Cytogenetic location: 19q13.33.
Variant type: single nucleotide variant.
Coding change: c.3461A>G on transcript NM_017636.4 (MANE Select); coding-DNA position 3461, A replaced by G.
Protein change: p.Lys1154Arg; replaces lysine 1154 with arginine.
Molecular consequence: missense variant.
Genome position (GRCh38, 1-based): chr19:49,210,842, A>G. VCF-style: chr19-49210842-A-G. GRCh37 (hg19) VCF-style: chr19-49714099-A-G.
Other names: c.3026A>G, p.Lys1009Arg (NM_001195227.2); c.3116A>G, p.Lys1039Arg (NM_001321281.2); c.1853A>G, p.Lys618Arg (NM_001321282.2); c.2939A>G, p.Lys980Arg (NM_001321283.2); c.2399A>G, p.Lys800Arg (NM_001321285.2); short protein forms K1154R, K800R, K980R, K1009R, K618R, K1039R.
Identifiers: ClinVar variation 959932 (VCV000959932.26), dbSNP rs141327522, ClinGen allele CA9569913.